The following is an entry in ClinVar:

NM_000312.4(PROC):c.658C>T (p.Arg220Trp)

Gene: PROC (protein C, inactivator of coagulation factors Va and VIIIa; plus strand). Cytogenetic location: 2q14.3.
Variant type: single nucleotide variant.
Coding change: c.658C>T on transcript NM_000312.4 (MANE Select); coding-DNA position 658, C replaced by T.
Protein change: p.Arg220Trp; replaces arginine 220 with tryptophan.
Molecular consequence: missense variant.
Genome position (GRCh38, 1-based): chr2:127,426,207, C>T. VCF-style: chr2-127426207-C-T. GRCh37 (hg19) VCF-style: chr2-128183783-C-T.
Other names: R178W; c.841C>T, p.Arg281Trp (NM_001375602.1); c.823C>T, p.Arg275Trp (NM_001375603.1); c.721C>T, p.Arg241Trp (NM_001375604.1); c.760C>T, p.Arg254Trp (NM_001375605.1); c.826C>T, p.Arg276Trp (NM_001375606.1); c.844C>T, p.Arg282Trp (NM_001375607.1); c.601C>T, p.Arg201Trp (NM_001375608.1); and 4 more; short protein forms R220W, R201W, R212W, R218W, R241W, R254W, R275W, R276W.
Identifiers: ClinVar variation 668 (VCV000000668.11), dbSNP rs121918152, ClinGen allele CA114410.

ClinVar aggregate classification (germline): Pathogenic/Likely pathogenic. Review status: criteria provided, multiple submitters, no conflicts (2 of 4 stars). 5 submissions from 5 submitters: Pathogenic (2); Likely pathogenic (1). 2 of the submissions do not count toward it. Last evaluated 2025-11-16.

Conditions:
PROC-related disorder. Also called: PROC-related condition.
Thrombophilia due to protein C deficiency, autosomal dominant. Also called: PROC DEFICIENCY, AUTOSOMAL DOMINANT; PROTEIN C DEFICIENCY, AUTOSOMAL DOMINANT. Identifiers: Orphanet 745, MedGen C2674321, MONDO:0008316, OMIM 176860. Disease mechanism: loss of function.
Thrombophilia due to protein C deficiency, autosomal recessive. Also called: PROC DEFICIENCY, AUTOSOMAL RECESSIVE; PROTEIN C DEFICIENCY, AUTOSOMAL RECESSIVE. Identifiers: Orphanet 745, MedGen C2676759, MONDO:0012860, OMIM 612304.

Allele frequency attached by ClinVar (database versions not stated): gnomAD exomes 0.00001; TOPMed 0.00001.
gnomAD v4.1: 12 of 1,613,846 alleles (0.00074%); highest among the groups gnomAD compares: African/African-American, 0.0013%; no homozygotes.

Submissions (5):

Labcorp Genetics (formerly Invitae), Labcorp
Classification: Pathogenic for Thrombophilia due to protein C deficiency, autosomal dominant. Last evaluated: 2025-11-16. Review status: criteria provided, single submitter. Criteria: Invitae Variant Classification Sherloc (09022015). Collection method: clinical testing. Allele origin: germline.
Comment: This sequence change replaces arginine, which is basic and polar, with tryptophan, which is neutral and slightly polar, at codon 220 of the PROC protein (p.Arg220Trp). This variant is not present in population databases (gnomAD no frequency). This missense change has been observed in individual(s) with protein C deficiency (PMID: 1511989, 1868249, 25393254, 31254973). It has also been observed to segregate with disease in related individuals. This variant is also known as Arg178Trp. ClinVar contains an entry for this variant (Variation ID: 668). Invitae Evidence Modeling of protein sequence and biophysical properties (such as structural, functional, and spatial information, amino acid conservation, physicochemical variation, residue mobility, and thermodynamic stability) indicates that this missense variant is not expected to disrupt PROC protein function with a negative predictive value of 80%. Algorithms developed to predict the effect of sequence changes on RNA splicing suggest that this variant may disrupt the consensus splice site. This variant disrupts the p.Arg220 amino acid residue in PROC. Other variant(s) that disrupt this residue have been determined to be pathogenic (PMID: 1301954, 1301959, 1511989, 7605880, 8499565, 18954896, 31254973). This suggests that this residue is clinically significant, and that variants that disrupt this residue are likely to be disease-causing. For these reasons, this variant has been classified as Pathogenic.

Department of Traditional Chinese Medicine, Fujian Provincial Hospital
Classification: Pathogenic for Thrombophilia due to protein C deficiency, autosomal dominant. Review status: criteria provided, single submitter. Criteria: ACMG Guidelines, 2015. Collection method: research. Allele origin: germline.
Comment: We found a four-generation Chinese pedigree with hereditary thrombophilia, comprising seven affected individuals presenting recurrent thrombotic events involving both venous and arterial systems. Clinical manifestations included pulmonary embolism, chronic pulmonary hypertension, lower extremity deep vein thrombosis, and arterial thrombosis. Western blot and ELISA demonstrated increased intracellular PC expression and elevated secretion levels in culture supernatants compared to wild-type (WT) controls. In contrast, chromogenic assays assessing plasma anticoagulant activity showed significantly reduced activated protein C (APC) activity in mutation carriers, consistent with impaired functional capacity despite heightened protein abundance. These results indicate that the mutation will cause high secretion-low expression of APC.

Juno Genomics, Hangzhou Juno Genomics, Inc
Classification: Likely pathogenic for Thrombophilia due to protein C deficiency, autosomal dominant; Thrombophilia due to protein C deficiency, autosomal recessive. Review status: criteria provided, single submitter. Criteria: ACMG Guidelines, 2015. Collection method: clinical testing. Allele origin: germline.
Comment: Absent from controls (or at extremely low frequency if recessive) in Genome Aggregation Database.;Multiple lines of computational evidence support a deleterious effect on the gene or gene product.;Novel missense change at an amino acid residue where a different missense change determined to be pathogenic has been seen before.;For recessive disorders, detected in trans with a pathogenic variant.

PreventionGenetics, part of Exact Sciences
Classification: Pathogenic for PROC-related condition. Last evaluated: 2024-07-31. Review status: no assertion criteria provided. Collection method: clinical testing. Allele origin: germline. Not counted in ClinVar's aggregate classification.
Comment: The PROC c.658C>T variant is predicted to result in the amino acid substitution p.Arg220Trp. This variant, described as R178W using legacy nomenclature, segregated with autosomal dominant protein C deficiency in two unrelated families (Reitsma et al. 1991. PubMed ID: 1868249; Grundy et al. 1992. PubMed ID: 1511989), although some individuals were symptomatic while others were asymptomatic. This variant has also been observed in the compound heterozygous state in an individual with severe venous thromboembolic disease (Wu et al. 2014. PubMed ID: 25393254) and has been reported along with a second variant in this gene in one individual with protein C deficiency (Tang. et al. 2022. PubMed ID: 35026611). Alternative missense changes at the same amino acid position (i.e. p.Arg220Gly and p.Arg220Gln) have been reported in patients with protein C deficiency (David et al. 2011. PubMed ID: 21621249; Reitsma et al. 1991. PubMed ID: 1868249; Grundy et al. 1992. PubMed ID: 1511989). This variant has not been reported in a large population database, indicating this variant is rare. This variant is interpreted as pathogenic.

OMIM
Classification: Pathogenic for THROMBOPHILIA DUE TO PROTEIN C DEFICIENCY, AUTOSOMAL DOMINANT. Last evaluated: 1989-12-25. Review status: no assertion criteria provided. Collection method: literature only. Allele origin: germline. Not counted in ClinVar's aggregate classification.

Literature cited by the submitters: PubMed 1511989 (cited by Labcorp Genetics (formerly Invitae), Labcorp); PubMed 1868249 (cited by Labcorp Genetics (formerly Invitae), Labcorp); PubMed 25393254 (cited by Labcorp Genetics (formerly Invitae), Labcorp); PubMed 31254973 (cited by Labcorp Genetics (formerly Invitae), Labcorp); PubMed 1301954 (cited by Labcorp Genetics (formerly Invitae), Labcorp); PubMed 1301959 (cited by Labcorp Genetics (formerly Invitae), Labcorp); PubMed 7605880 (cited by Labcorp Genetics (formerly Invitae), Labcorp); PubMed 8499565 (cited by Labcorp Genetics (formerly Invitae), Labcorp); PubMed 18954896 (cited by Labcorp Genetics (formerly Invitae), Labcorp); PubMed 2602169 (cited by OMIM).